The following is an entry in ClinVar:

ClinVar aggregate classification (germline): Likely benign (1 of 4 stars; one submission).

Allele frequency attached by ClinVar (database versions not stated): gnomAD exomes 0.00003; ExAC 0.00005; TOPMed 0.00005; gnomAD 0.00007; ESP Exome Variant Server 0.00009; 1000 Genomes Project 30x 0.00042; 1000 Genomes Project 0.00053.
gnomAD v4.1: 43 of 1,208,802 alleles (0.0036%); highest among the groups gnomAD compares: Middle Eastern, 0.023%; 1 homozygote.

Submission:

CeGaT Center for Human Genetics Tuebingen
Classification: Likely benign. Last evaluated: 2022-05-01. Review status: criteria provided, single submitter. Criteria: CeGaT Center For Human Genetics Tuebingen Variant Classification Criteria Version 2. Collection method: clinical testing. Allele origin: germline. Affected: yes. Observed: 1 variant allele.
Comment: ARR3: BP4, BP7

NM_004312.3(ARR3):c.915G>A (p.Pro305=)

Gene: ARR3 (arrestin 3; plus strand). Cytogenetic location: Xq13.1.
Variant type: single nucleotide variant.
Coding change: c.915G>A on transcript NM_004312.3 (MANE Select); coding-DNA position 915, G replaced by A.
Protein change: p.Pro305=; no amino-acid change (proline 305 retained).
Molecular consequence: synonymous variant.
Genome position (GRCh38, 1-based): chrX:70,280,204, G>A. VCF-style: chrX-70280204-G-A. GRCh37 (hg19) VCF-style: chrX-69500054-G-A.
Identifiers: ClinVar variation 2660809 (VCV002660809.24), dbSNP rs144619692, ClinGen allele CA10440510.